The following is an entry in ClinVar:

NM_001190274.2(FBXO11):c.305G>A (p.Arg102His)

Gene: FBXO11 (F-box protein 11; minus strand). Cytogenetic location: 2p16.3.
Variant type: single nucleotide variant.
Coding change: c.305G>A on transcript NM_001190274.2 (MANE Select); coding-DNA position 305, G replaced by A.
Protein change: p.Arg102His; replaces arginine 102 with histidine.
Molecular consequence: missense variant.
Genome position (GRCh38, 1-based): chr2:47,839,697, C>T on the plus strand (G>A on the coding strand, the complement: FBXO11 is on the minus strand). VCF-style: chr2-47839697-C-T. GRCh37 (hg19) VCF-style: chr2-48066836-C-T.
Other names: c.53G>A, p.Arg18His (NM_001374325.1, NM_025133.4); short protein forms R102H, R18H.
Identifiers: ClinVar variation 3384993 (VCV003384993.1).

ClinVar aggregate classification (germline): Uncertain significance (1 of 4 stars; one submission).

gnomAD v4.1: 6 of 1,613,922 alleles (0.00037%); highest among the groups gnomAD compares: Admixed American, 0.0017%; no homozygotes.

Submission:

Women's Health and Genetics/Laboratory Corporation of America, LabCorp
Classification: Uncertain significance. Last evaluated: 2024-10-02. Review status: criteria provided, single submitter. Criteria: LabCorp Variant Classification Summary - May 2015. Collection method: clinical testing. Allele origin: germline.
Comment: Variant summary: FBXO11 c.305G>A (p.Arg102His) results in a non-conservative amino acid change in the encoded protein sequence. Four of five in-silico tools predict a damaging effect of the variant on protein function. The variant allele was found at a frequency of 8e-06 in 251458 control chromosomes. The available data on variant occurrences in the general population are insufficient to allow any conclusion about variant significance. To our knowledge, no occurrence of c.305G>A in individuals affected with Intellectual Developmental Disorder With Dysmorphic Facies And Behavioral Abnormalities and no experimental evidence demonstrating its impact on protein function have been reported. No submitters have cited clinical-significance assessments for this variant to ClinVar. Based on the evidence outlined above, the variant was classified as uncertain significance.